The following is an entry in ClinVar:

NM_000264.5(PTCH1):c.2068G>A (p.Val690Ile)

Genes: PTCH1 (patched 1; minus strand), LOC100507346 (uncharacterized LOC100507346; plus strand). Cytogenetic location: 9q22.32.
Variant type: single nucleotide variant.
Coding change: c.2068G>A on transcript NM_000264.5 (MANE Select); coding-DNA position 2068, G replaced by A.
Protein change: p.Val690Ile; replaces valine 690 with isoleucine.
Molecular consequence: missense variant. On other transcripts: non-coding transcript variant (2).
Genome position (GRCh38, 1-based): chr9:95,468,933, C>T on the plus strand (G>A on the coding strand, the complement: PTCH1 is on the minus strand). VCF-style: chr9-95468933-C-T. GRCh37 (hg19) VCF-style: chr9-98231215-C-T.
Other names: c.1870G>A, p.Val624Ile (NM_001083602.3); c.2065G>A, p.Val689Ile (NM_001083603.3); c.1615G>A, p.Val539Ile (NM_001083604.3, NM_001083605.3, NM_001083606.3 and 1 more transcripts); c.1912G>A, p.Val638Ile (NM_001354918.2); short protein forms V690I, V624I, V539I, V638I, V689I.
Identifiers: ClinVar variation 453813 (VCV000453813.17), dbSNP rs750970743, ClinGen allele CA5138452.

ClinVar aggregate classification (germline): Benign/Likely benign. Review status: criteria provided, multiple submitters, no conflicts (2 of 4 stars). 4 submissions from 4 submitters: Benign (1); Likely benign (3). Last evaluated 2025-11-22.

Conditions:
Hereditary cancer-predisposing syndrome. Also called: Tumor predisposition; Hereditary neoplastic syndrome; Neoplastic Syndromes, Hereditary; Hereditary Cancer Syndrome. Identifiers: Orphanet 140162, MedGen C0027672, MeSH D009386, MONDO:0015356.
Gorlin syndrome. Also called: Nevoid Basal Cell Carcinoma Syndrome; Basal cell nevus syndrome. Identifiers: Orphanet 377, MedGen C0004779, MONDO:0007187.
PTCH1-related disorder. Also called: PTCH1-related disorders; PTCH1-related condition.

Allele frequency attached by ClinVar (database versions not stated): ExAC 0.00001; gnomAD exomes 0.00001 and 0.00002; TOPMed 0.00002; gnomAD 0.00005.

Submissions (4):

Labcorp Genetics (formerly Invitae), Labcorp
Classification: Benign for Gorlin syndrome. Last evaluated: 2025-11-22. Review status: criteria provided, single submitter. Criteria: Invitae Variant Classification Sherloc (09022015). Collection method: clinical testing. Allele origin: germline.

PreventionGenetics, part of Exact Sciences
Classification: Likely benign for PTCH1-related condition. Last evaluated: 2025-04-12. Review status: criteria provided, single submitter. Criteria: ACMG Guidelines, 2015. Collection method: clinical testing. Allele origin: germline.
Comment: This variant is classified as likely benign based on ACMG/AMP sequence variant interpretation guidelines (Richards et al. 2015 PMID: 25741868, with internal and published modifications).

GeneDx
Classification: Likely benign. Last evaluated: 2023-04-26. Review status: criteria provided, single submitter. Criteria: GeneDx Variant Classification Process June 2021. Collection method: clinical testing. Allele origin: germline. Affected: yes.
Comment: In silico analysis supports that this missense variant does not alter protein structure/function; Has not been previously published as pathogenic or benign to our knowledge; This variant is associated with the following publications: (PMID: 11331587)

Ambry Genetics
Classification: Likely benign for Hereditary cancer-predisposing syndrome. Last evaluated: 2023-01-25. Review status: criteria provided, single submitter. Criteria: Ambry Variant Classification Scheme 2023. Collection method: clinical testing. Allele origin: germline.